The following is an entry in ClinVar:

NM_002292.4(LAMB2):c.2509G>A (p.Gly837Arg)

Genes: LAMB2 (laminin subunit beta 2; minus strand), LOC129936738 (ATAC-STARR-seq lymphoblastoid active region 19855; plus strand). Cytogenetic location: 3p21.31.
Variant type: single nucleotide variant.
Coding change: c.2509G>A on transcript NM_002292.4 (MANE Select); coding-DNA position 2509, G replaced by A.
Protein change: p.Gly837Arg; replaces glycine 837 with arginine.
Molecular consequence: missense variant.
Genome position (GRCh38, 1-based): chr3:49,125,464, C>T on the plus strand (G>A on the coding strand, the complement: LAMB2 is on the minus strand). VCF-style: chr3-49125464-C-T. GRCh37 (hg19) VCF-style: chr3-49162897-C-T.
Other names: short protein forms G837R.
Identifiers: ClinVar variation 1062779 (VCV001062779.5), dbSNP rs2107639681, ClinGen allele CA352720826.

ClinVar aggregate classification (germline): Uncertain significance (1 of 4 stars; one submission).

Conditions:
LAMB2-related infantile-onset nephrotic syndrome. Also called: NEPHROTIC SYNDROME, TYPE 5, WITHOUT OCULAR ABNORMALITIES; NEPHROTIC SYNDROME, TYPE 5, WITH OCULAR ABNORMALITIES; Nephrotic Syndrome, type 5. Identifiers: Orphanet 306507, MedGen C3280113, MONDO:0013621, OMIM 614199.
Pierson syndrome. Also called: MICROCORIA-CONGENITAL NEPHROTIC SYNDROME. Identifiers: Orphanet 2670, MedGen C1836876, MONDO:0012184, OMIM 609049.

Submission:

Labcorp Genetics (formerly Invitae), Labcorp
Classification: Uncertain significance for LAMB2-related infantile-onset nephrotic syndrome; Pierson syndrome. Last evaluated: 2020-09-11. Review status: criteria provided, single submitter. Criteria: Invitae Variant Classification Sherloc (09022015). Collection method: clinical testing. Allele origin: germline.
Comment: This variant is not present in population databases (ExAC no frequency). This sequence change replaces glycine with arginine at codon 837 of the LAMB2 protein (p.Gly837Arg). The glycine residue is highly conserved and there is a moderate physicochemical difference between glycine and arginine. This variant has not been reported in the literature in individuals with LAMB2-related conditions. Algorithms developed to predict the effect of missense changes on protein structure and function (SIFT, PolyPhen-2, Align-GVGD) all suggest that this variant is likely to be disruptive, but these predictions have not been confirmed by published functional studies and their clinical significance is uncertain. In summary, the available evidence is currently insufficient to determine the role of this variant in disease. Therefore, it has been classified as a Variant of Uncertain Significance.